The following is an entry in ClinVar:

NM_014921.5(ADGRL1):c.3424-1G>A

Genes: ADGRL1 (adhesion G protein-coupled receptor L1; minus strand), ADGRL1-AS1 (ADGRL1 antisense RNA 1; plus strand). Cytogenetic location: 19p13.12.
Variant type: single nucleotide variant.
Coding change: c.3424-1G>A on transcript NM_014921.5 (MANE Select); the canonical splice acceptor site of the intron before coding-DNA position 3424, G replaced by A.
Molecular consequence: splice acceptor variant.
Genome position (GRCh38, 1-based): chr19:14,152,614, C>T on the plus strand (G>A on the coding strand, the complement: ADGRL1 is on the minus strand). VCF-style: chr19-14152614-C-T. GRCh37 (hg19) VCF-style: chr19-14263426-C-T.
Other names: NC_000019.9:g.14263426C>T; c.3439-1G>A (NM_001008701.3).
Identifiers: ClinVar variation 4434960 (VCV004434960.2).

ClinVar aggregate classification (germline): Uncertain significance (1 of 4 stars; one submission).

Submissions (2):

GeneDx
Classification: Uncertain significance. Last evaluated: 2025-10-18. Review status: criteria provided, single submitter. Criteria: GeneDx Variant Classification Process June 2021. Collection method: clinical testing. Allele origin: germline.
Comment: Not observed at significant frequency in large population cohorts (gnomAD); Canonical splice site variant in a gene or region of a gene for which loss of function is not a well-established mechanism of disease; Has not been previously published as pathogenic or benign to our knowledge; Variants in candidate genes are classified as variants of uncertain significance in accordance with ACMG guidelines (PMID: 25741868)

Dr. Peter K. Rogan Lab, Western University
No classification provided (evidence only). Condition: Cervical cancer. Review status: no classification provided. Collection method: in vitro. Allele origin: not applicable. Functional consequence: skipped exon, retained intron. Not counted in ClinVar's aggregate classification.